The following is an entry in ClinVar:

ClinVar aggregate classification (germline): Uncertain significance. Review status: criteria provided, multiple submitters, no conflicts (2 of 4 stars). 5 submissions from 5 submitters: Uncertain significance (5). Last evaluated 2025-11-04.

Conditions:
Aortic aneurysm, familial thoracic 4 (AAT4). Also called: AORTIC ANEURYSM/AORTIC DISSECTION AND PATENT DUCTUS ARTERIOSUS. Identifiers: MedGen C1851504, MONDO:0007568, OMIM 132900.
Isolated thoracic aortic aneurysm.
Familial thoracic aortic aneurysm and aortic dissection (TAAD). Also called: Thoracic aortic aneurysms and dissections. Identifiers: Orphanet 91387, MedGen C4707243, MONDO:0019625.

Allele frequency attached by ClinVar (database versions not stated): gnomAD 0.00001; TOPMed 0.00001.
gnomAD v4.1: 15 of 1,613,962 alleles (0.00093%); highest among the groups gnomAD compares: Admixed American, 0.0033%; no homozygotes.

Submissions (5):

Ambry Genetics
Classification: Uncertain significance for Familial thoracic aortic aneurysm and aortic dissection. Last evaluated: 2025-11-04. Review status: criteria provided, single submitter. Criteria: Ambry Variant Classification Scheme 2023. Collection method: clinical testing. Allele origin: germline.
Comment: The p.R1131W variant (also known as c.3391C>T), located in coding exon 25 of the MYH11 gene, results from a C to T substitution at nucleotide position 3391. The arginine at codon 1131 is replaced by tryptophan, an amino acid with dissimilar properties. This variant has been reported in a thoracic aortic aneurysm and dissection (TAAD) cohort (Li Y et al. Eur J Hum Genet, 2021 Jul;29:1129-1138). This amino acid position is well conserved in available vertebrate species. In addition, the in silico prediction for this alteration is inconclusive. Based on the available evidence, the clinical significance of this variant remains unclear.

All of Us Research Program, National Institutes of Health
Classification: Uncertain significance for Familial thoracic aortic aneurysm and aortic dissection. Last evaluated: 2024-07-10. Review status: criteria provided, single submitter. Criteria: ACMG Guidelines, 2015. Collection method: clinical testing. Allele origin: germline. Inheritance: Autosomal dominant inheritance. Observed: 4 variant alleles, 4 heterozygotes.
Comment: This missense variant replaces arginine with tryptophan at codon 1138 of the MYH11 protein. Computational prediction tools and conservation analyses suggest that this variant may have deleterious impact on the protein function. Computational splicing tools suggest that this variant may not impact RNA splicing. To our knowledge, functional assays have not been performed for this variant nor has this variant been reported in individuals affected with cardiovascular disorders in the literature. This variant has been identified in 4/251486 chromosomes in the general population by the Genome Aggregation Database (gnomAD). Available evidence is insufficient to determine the role of this variant in disease conclusively. Therefore, this variant is classified as a Variant of Uncertain Significance.

This study involves interpretation of variants in research participants for the purpose of population health screening. Participant phenotype was not available at the time of variant classification. Additional details can be found in publication PMID: 35346344, PMCID: PMC8962531

Labcorp Genetics (formerly Invitae), Labcorp
Classification: Uncertain significance for Aortic aneurysm, familial thoracic 4. Last evaluated: 2024-04-08. Review status: criteria provided, single submitter. Criteria: Invitae Variant Classification Sherloc (09022015). Collection method: clinical testing. Allele origin: germline.
Comment: This sequence change replaces arginine, which is basic and polar, with tryptophan, which is neutral and slightly polar, at codon 1138 of the MYH11 protein (p.Arg1138Trp). This variant is present in population databases (rs778315061, gnomAD 0.003%). This missense change has been observed in individual(s) with thoracic aortic aneurysm (PMID: 33824467). ClinVar contains an entry for this variant (Variation ID: 919612). Advanced modeling of protein sequence and biophysical properties (such as structural, functional, and spatial information, amino acid conservation, physicochemical variation, residue mobility, and thermodynamic stability) has been performed at Invitae for this missense variant, however the output from this modeling did not meet the statistical confidence thresholds required to predict the impact of this variant on MYH11 protein function. In summary, the available evidence is currently insufficient to determine the role of this variant in disease. Therefore, it has been classified as a Variant of Uncertain Significance.

Color Diagnostics, LLC DBA Color Health
Classification: Uncertain significance for Familial thoracic aortic aneurysm and aortic dissection. Last evaluated: 2023-12-05. Review status: criteria provided, single submitter. Criteria: ACMG Guidelines, 2015. Collection method: clinical testing. Allele origin: germline.
Comment: This missense variant replaces arginine with tryptophan at codon 1138 of the MYH11 protein. Computational prediction tools and conservation analyses suggest that this variant may have deleterious impact on the protein function. Computational splicing tools suggest that this variant may not impact RNA splicing. To our knowledge, functional assays have not been performed for this variant nor has this variant been reported in individuals affected with cardiovascular disorders in the literature. This variant has been identified in 4/251486 chromosomes in the general population by the Genome Aggregation Database (gnomAD). Available evidence is insufficient to determine the role of this variant in disease conclusively. Therefore, this variant is classified as a Variant of Uncertain Significance.

Department of Vascular Biology, Beijing Anzhen Hospital
Classification: Uncertain significance for Isolated thoracic aortic aneurysm. Last evaluated: 2018-09-01. Review status: criteria provided, single submitter. Criteria: ACMG Guidelines, 2015. Collection method: research. Allele origin: germline. Affected: yes.

Literature cited by the submitters: PubMed 33824467 (cited by Ambry Genetics and Labcorp Genetics (formerly Invitae), Labcorp).

NM_002474.3(MYH11):c.3391C>T (p.Arg1131Trp)

Gene: MYH11 (myosin heavy chain 11; minus strand). Cytogenetic location: 16p13.11.
Variant type: single nucleotide variant.
Coding change: c.3391C>T on transcript NM_002474.3 (MANE Select); coding-DNA position 3391, C replaced by T.
Protein change: p.Arg1131Trp; replaces arginine 1131 with tryptophan.
Molecular consequence: missense variant.
Genome position (GRCh38, 1-based): chr16:15,735,481, G>A on the plus strand (C>T on the coding strand, the complement: MYH11 is on the minus strand). VCF-style: chr16-15735481-G-A. GRCh37 (hg19) VCF-style: chr16-15829338-G-A.
Other names: c.3412C>T, p.Arg1138Trp (NM_001040113.2, NM_001040114.2); c.3391C>T, p.Arg1131Trp (NM_022844.3); c.3391C>T (NM_002474.2); short protein forms R1131W, R1138W.
Identifiers: ClinVar variation 919612 (VCV000919612.13), dbSNP rs778315061, ClinGen allele CA7922006.
Genomic context (GRCh38, chr16:15,735,481, plus strand): 5'-GGGCCTCCAGCTCCTCGCCGAGGTCTCGCTTCTGCTTTTCAGCCTTGTTCCTGGCGGCCC[G>A]CTCTGAGTCCAGGTCCTCCTGGAGGTCTGAGATGTGGCCCTCCAGCTCCCGGATCTTCTT-3'
Protein context (NP_002465.1, residues 1121-1141): SDLQEDLDSE[Arg1131Trp]AARNKAEKQK